The following is an entry in ClinVar:

NM_001353345.2(SETD1B):c.5403del (p.Gln1801fs)

Gene: SETD1B (SET domain containing 1B, histone lysine methyltransferase; plus strand). Cytogenetic location: 12q24.31.
Variant type: Deletion.
Coding change: c.5403del on transcript NM_001353345.2 (MANE Select); coding-DNA position 5403, one base deleted (G; older notation c.5403delG).
Protein change: p.Gln1801fs; shifts the reading frame from glutamine 1801.
Molecular consequence: frameshift variant.
Genome position (GRCh38, 1-based): chr12:121,827,584, G deleted. VCF-style (leftmost placement, unchanged base first): chr12-121827583-AG-A. GRCh37 (hg19) VCF-style: chr12-122265489-AG-A.
Other names: short protein forms Q1801fs.
Identifiers: ClinVar variation 3772184 (VCV003772184.13).

ClinVar aggregate classification (germline): Pathogenic (1 of 4 stars; one submission).

Submission:

CeGaT Center for Human Genetics Tuebingen
Classification: Pathogenic. Last evaluated: 2025-01-01. Review status: criteria provided, single submitter. Criteria: CeGaT Center For Human Genetics Tuebingen Variant Classification Criteria Version 2. Collection method: clinical testing. Allele origin: germline. Affected: yes. Observed: 1 variant allele.
Comment: SETD1B: PVS1, PM2, PS2:Moderate